The following is an entry in ClinVar:

NM_004998.4(MYO1E):c.2985G>A (p.Pro995=)

Gene: MYO1E (myosin IE; minus strand). Cytogenetic location: 15q22.2.
Variant type: single nucleotide variant.
Coding change: c.2985G>A on transcript NM_004998.4 (MANE Select); coding-DNA position 2985, G replaced by A.
Protein change: p.Pro995=; no amino-acid change (proline 995 retained).
Molecular consequence: synonymous variant.
Genome position (GRCh38, 1-based): chr15:59,153,685, C>T on the plus strand (G>A on the coding strand, the complement: MYO1E is on the minus strand). VCF-style: chr15-59153685-C-T. GRCh37 (hg19) VCF-style: chr15-59445884-C-T.
Identifiers: ClinVar variation 3054339 (VCV003054339.3), dbSNP rs202200849, ClinGen allele CA7589063.
Genomic context (GRCh38, chr15:59,153,685, plus strand): 5'-CAGGCTCTCTGGCGTCTGTGACACTCGGTCTGAACTGGTAGACTGCTGCCGAGGCAAGGG[C>T]GGGCGGGCCATGGAGGTGTACAGGCTTTTCTGATTGGACCTCTGGCTTCCAGGAGCATGG-3'
Protein context (NP_004989.2, residues 985-1005): QKSLYTSMAR[Pro995=]PLPRQQSTSS

ClinVar aggregate classification (germline): Likely benign. Review status: criteria provided, single submitter (1 of 4 stars). 2 submissions from 2 submitters: Likely benign (1). 1 of the submissions does not count toward it. Last evaluated 2025-12-31.

Conditions:
MYO1E-related disorder. Also called: MYO1E-related condition.

Allele frequency attached by ClinVar (database versions not stated): TOPMed below 0.00001; gnomAD 0.00001; ExAC 0.00002.
gnomAD v4.1: 45 of 1,614,038 alleles (0.0028%); highest among the groups gnomAD compares: Non-Finnish European, 0.0036%; no homozygotes.

Submissions (2):

Labcorp Genetics (formerly Invitae), Labcorp
Classification: Likely benign. Last evaluated: 2025-12-31. Review status: criteria provided, single submitter. Criteria: Invitae Variant Classification Sherloc (09022015). Collection method: clinical testing. Allele origin: germline.

PreventionGenetics, part of Exact Sciences
Classification: Likely benign for MYO1E-related condition. Last evaluated: 2022-09-01. Review status: no assertion criteria provided. Collection method: clinical testing. Allele origin: germline. Not counted in ClinVar's aggregate classification.
Comment: This variant is classified as likely benign based on ACMG/AMP sequence variant interpretation guidelines (Richards et al. 2015 PMID: 25741868, with internal and published modifications).